The following is an entry in ClinVar:

ClinVar aggregate classification (germline): Uncertain significance (1 of 4 stars; one submission).

Conditions:
Ehlers-Danlos syndrome, type 4 (EDSVASC). Also called: Ehlers-Danlos Syndrome Type IV; Ehlers-Danlos syndrome vascular type; Ehlers Danlos syndrome, ecchymotic type; Ehlers Danlos syndrome, arterial type; Ehlers Danlos syndrome, Sack-Barabas type. Identifiers: Orphanet 286, MedGen C0268338, MONDO:0017314, OMIM 130050.

Allele frequency attached by ClinVar (database versions not stated): gnomAD exomes below 0.00001.
gnomAD v4.1: 4 of 1,614,174 alleles (0.00025%); highest among the groups gnomAD compares: Non-Finnish European, 0.00034%; no homozygotes.

Submission:

All of Us Research Program, National Institutes of Health
Classification: Uncertain significance for Ehlers-Danlos syndrome, type 4. Last evaluated: 2023-04-27. Review status: criteria provided, single submitter. Criteria: ACMG Guidelines, 2015. Collection method: clinical testing. Allele origin: germline. Inheritance: Autosomal dominant inheritance. Observed: 1 variant allele, 1 heterozygote.
Comment: This study involves interpretation of variants in research participants for the purpose of population health screening. Participant phenotype was not available at the time of variant classification. Additional details can be found in publication PMID: 35346344, PMCID: PMC8962531

NM_000090.4(COL3A1):c.4041A>C (p.Glu1347Asp)

Gene: COL3A1 (collagen type III alpha 1 chain; plus strand). Cytogenetic location: 2q32.2.
Variant type: single nucleotide variant.
Coding change: c.4041A>C on transcript NM_000090.4 (MANE Select); coding-DNA position 4041, A replaced by C.
Protein change: p.Glu1347Asp; replaces glutamic acid 1347 with aspartic acid.
Molecular consequence: missense variant.
Genome position (GRCh38, 1-based): chr2:189,010,677, A>C. VCF-style: chr2-189010677-A-C. GRCh37 (hg19) VCF-style: chr2-189875403-A-C.
Other names: short protein forms E1347D.
Identifiers: ClinVar variation 3070496 (VCV003070496.1), dbSNP rs2469170166, ClinGen allele CA349849206.